The following is an entry in ClinVar:

ClinVar aggregate classification (germline): Uncertain significance (1 of 4 stars; one submission).

Conditions:
Hereditary cancer-predisposing syndrome. Also called: Neoplastic Syndromes, Hereditary; Tumor predisposition; Hereditary Cancer Syndrome; Hereditary neoplastic syndrome. Identifiers: Orphanet 140162, MedGen C0027672, MeSH D009386, MONDO:0015356.

Submission:

Ambry Genetics
Classification: Uncertain significance for Hereditary cancer-predisposing syndrome. Last evaluated: 2025-09-11. Review status: criteria provided, single submitter. Criteria: Ambry Variant Classification Scheme 2023. Collection method: clinical testing. Allele origin: germline.
Comment: The p.S250C variant (also known as c.749C>G), located in coding exon 4 of the BARD1 gene, results from a C to G substitution at nucleotide position 749. The serine at codon 250 is replaced by cysteine, an amino acid with dissimilar properties. This amino acid position is conserved. In addition, this alteration is predicted to be tolerated by in silico analysis. Based on the available evidence, the clinical significance of this variant remains unclear.

NM_000465.4(BARD1):c.749C>G (p.Ser250Cys)

Gene: BARD1 (BRCA1 associated RING domain 1; minus strand). Cytogenetic location: 2q35.
Variant type: single nucleotide variant.
Coding change: c.749C>G on transcript NM_000465.4 (MANE Select); coding-DNA position 749, C replaced by G.
Protein change: p.Ser250Cys; replaces serine 250 with cysteine.
Molecular consequence: missense variant. On other transcripts: non-coding transcript variant (2), intron variant (3).
Genome position (GRCh38, 1-based): chr2:214,781,125, G>C on the plus strand (C>G on the coding strand, the complement: BARD1 is on the minus strand). VCF-style: chr2-214781125-G-C. GRCh37 (hg19) VCF-style: chr2-215645849-G-C.
Other names: c.692C>G, p.Ser231Cys (NM_001282543.2); c.158+28287C>G (NM_001282548.2); c.215+15936C>G (NM_001282545.2); c.364+11172C>G (NM_001282549.2); short protein forms S231C, S250C.
Identifiers: ClinVar variation 4196412 (VCV004196412.1).